The following is an entry in ClinVar:

NM_000091.5(COL4A3):c.3647del (p.Gly1216fs)

Genes: MFF-DT (MFF divergent transcript; minus strand), COL4A3 (collagen type IV alpha 3 chain; plus strand). Cytogenetic location: 2q36.3.
Variant type: Deletion.
Coding change: c.3647del on transcript NM_000091.5 (MANE Select); coding-DNA position 3647, one base deleted (G; older notation c.3647delG).
Protein change: p.Gly1216fs; shifts the reading frame from glycine 1216.
Molecular consequence: frameshift variant.
Genome position (GRCh38, 1-based): chr2:227,297,755, G deleted; the last of 2 consecutive G bases (chr2:227,297,754-227,297,755); deleting either gives the same sequence. VCF-style (leftmost placement, unchanged base first): chr2-227297753-AG-A. GRCh37 (hg19) VCF-style: chr2-228162469-AG-A.
Other names: short protein forms G1216fs.
Identifiers: ClinVar variation 1726028 (VCV001726028.2), dbSNP rs2469880076, ClinGen allele CA2580065939.

ClinVar aggregate classification (germline): Likely pathogenic (1 of 4 stars; one submission).

Conditions:
Autosomal recessive Alport syndrome (ATS2). Also called: Alport syndrome type 2; COL4A4 Alport Syndrome and Thin Basement Membrane Nephropathy; ALPORT SYNDROME 2, AUTOSOMAL RECESSIVE; COL4A3-Related Nephropathy. Identifiers: Orphanet 63, Orphanet 88919, MedGen C4746745, MONDO:0008762, OMIM 203780.

Submission:

Myriad Genetics, Inc.
Classification: Likely pathogenic for Autosomal recessive Alport syndrome. Last evaluated: 2022-05-07. Review status: criteria provided, single submitter. Criteria: Myriad Women's Health Autosomal Recessive and X-Linked Classification Criteria (2021). Collection method: clinical testing. Allele origin: unknown.
Comment: NM_000091.4(COL4A3):c.3647delG(G1216Dfs*5) is expected to be pathogenic in the context of COL4A3-related Alport syndrome. This variant is predicted to lead to an abnormal or absent protein product due to the creation of a premature termination codon in COL4A3, a gene where loss-of-function variants are known to be pathogenic. Please note: this variant was assessed in the context of healthy population screening.